The following is an entry in ClinVar:

ClinVar aggregate classification (germline): Uncertain significance (1 of 4 stars; one submission).

Allele frequency attached by ClinVar (database versions not stated): gnomAD exomes below 0.00001; ExAC 0.00003; TOPMed 0.00004; ESP Exome Variant Server 0.00008.
gnomAD v4.1: 8 of 1,613,442 alleles (0.0005%); highest among the groups gnomAD compares: African/African-American, 0.011%; no homozygotes.

Submission:

Labcorp Genetics (formerly Invitae), Labcorp
Classification: Uncertain significance. Last evaluated: 2022-04-28. Review status: criteria provided, single submitter. Criteria: Invitae Variant Classification Sherloc (09022015). Collection method: clinical testing. Allele origin: germline.
Comment: Algorithms developed to predict the effect of missense changes on protein structure and function are either unavailable or do not agree on the potential impact of this missense change (SIFT: "Tolerated"; PolyPhen-2: "Possibly Damaging"; Align-GVGD: "Class C0"). This variant has not been reported in the literature in individuals affected with MCM3AP-related conditions. This variant is present in population databases (rs372224273, gnomAD 0.01%). This sequence change replaces proline, which is neutral and non-polar, with serine, which is neutral and polar, at codon 1681 of the MCM3AP protein (p.Pro1681Ser). In summary, the available evidence is currently insufficient to determine the role of this variant in disease. Therefore, it has been classified as a Variant of Uncertain Significance.

NM_003906.5(MCM3AP):c.5041C>T (p.Pro1681Ser)

Genes: MCM3AP (minichromosome maintenance complex component 3 associated protein; minus strand), MCM3AP-AS1 (MCM3AP antisense RNA 1; plus strand). Cytogenetic location: 21q22.3.
Variant type: single nucleotide variant.
Coding change: c.5041C>T on transcript NM_003906.5 (MANE Select); coding-DNA position 5041, C replaced by T.
Protein change: p.Pro1681Ser; replaces proline 1681 with serine.
Molecular consequence: missense variant.
Genome position (GRCh38, 1-based): chr21:46,243,720, G>A on the plus strand (C>T on the coding strand, the complement: MCM3AP is on the minus strand). VCF-style: chr21-46243720-G-A. GRCh37 (hg19) VCF-style: chr21-47663634-G-A.
Other names: short protein forms P1681S.
Identifiers: ClinVar variation 2157963 (VCV002157963.4), dbSNP rs372224273, ClinGen allele CA10075959.